The following is an entry in ClinVar:

NM_021625.5(TRPV4):c.1455C>T (p.Phe485=)

Gene: TRPV4 (transient receptor potential cation channel subfamily V member 4; minus strand). Cytogenetic location: 12q24.11.
Variant type: single nucleotide variant.
Coding change: c.1455C>T on transcript NM_021625.5 (MANE Select); coding-DNA position 1455, C replaced by T.
Protein change: p.Phe485=; no amino-acid change (phenylalanine 485 retained).
Molecular consequence: synonymous variant.
Genome position (GRCh38, 1-based): chr12:109,794,365, G>A on the plus strand (C>T on the coding strand, the complement: TRPV4 is on the minus strand). VCF-style: chr12-109794365-G-A. GRCh37 (hg19) VCF-style: chr12-110232170-G-A.
Other names: c.1134C>T, p.Phe378= (NM_001177433.2); c.1275C>T, p.Phe425= (NM_147204.3); c.1314C>T, p.Phe438= (NM_001177428.2); c.1353C>T, p.Phe451= (NM_001177431.2).
Identifiers: ClinVar variation 307130 (VCV000307130.41), dbSNP rs189872222, ClinGen allele CA6780236.

ClinVar aggregate classification (germline): Benign/Likely benign. Review status: criteria provided, multiple submitters, no conflicts (2 of 4 stars). 9 submissions from 4 submitters: Benign (5); Likely benign (4). Last evaluated 2025-06-25.

Conditions:
Scapuloperoneal spinal muscular atrophy (SPSMA). Also called: Scapuloperoneal spinal muscular atrophy, autosomal dominant; Scapuloperoneal Spinal Muscular Atrophy, TRPV4-Related; AMYOTROPHY, NEUROGENIC SCAPULOPERONEAL, NEW ENGLAND TYPE; Scapuloperoneal Form of Spinal Muscular Atrophy. Identifiers: Orphanet 431255, MedGen C0751335, MONDO:0008408, OMIM 181405.
Metatropic dysplasia (MTD). Also called: METATROPIC DWARFISM; Metatropic Dysplasia, TRPV4-Related; Metatropic dysplasia, nonlethal dominant. Identifiers: Orphanet 2635, MedGen C0265281, MONDO:0007986, OMIM 156530.
Brachyrachia (short spine dysplasia) (BCYM3). Also called: BRACHYRACHIA; Autosomal dominant brachyolmia; Brachyolmia, TRPV4-Related; Brachyolmia Type 3. Identifiers: Orphanet 93304, MedGen C0432227, MONDO:0007232, OMIM 113500.
Charcot-Marie-Tooth disease axonal type 2C (HMSN2C). Also called: Charcot-Marie-Tooth Disease Type 2, TRPV4-Related (CMT2C); CHARCOT-MARIE-TOOTH DISEASE, AXONAL, AUTOSOMAL DOMINANT, TYPE 2C; Charcot-Marie-Tooth Neuropathy Type 2C. Identifiers: Orphanet 99937, MedGen C1853710, MONDO:0011633, OMIM 606071.
Inborn genetic diseases. Identifiers: MedGen C0950123, MeSH D030342.
Neuronopathy, distal hereditary motor, autosomal dominant 8. Also called: NEURONOPATHY, DISTAL HEREDITARY MOTOR, TYPE VIII; NEUROPATHY, DISTAL HEREDITARY MOTOR, TYPE VIII; SPINAL MUSCULAR ATROPHY, CONGENITAL BENIGN, WITH CONTRACTURES; Autosomal dominant congenital benign spinal muscular atrophy. Identifiers: Orphanet 1216, MedGen C1838492, MONDO:0010839, OMIM 600175.
Spondylometaphyseal dysplasia, Kozlowski type (SMDK). Also called: Dysmorphism arthrogryposis skeletal maturation advanced; Jequier-Kozlowski syndrome; Skeletal dysplasia Jequier-Kozlowski type; SMD Kozlowski type; Spondylometaphyseal Dysplasia, TRPV4-Related (Kozlowski Type). Identifiers: Orphanet 93314, MedGen C0265280, MONDO:0008477, OMIM 184252.

Allele frequency attached by ClinVar (database versions not stated): gnomAD 0.00001 and 0.00006; gnomAD exomes 0.00002 and 0.00006; TOPMed 0.00003; ExAC 0.00009; 1000 Genomes Project 0.00060; 1000 Genomes Project 30x 0.00094.
gnomAD v4.1: 38 of 1,613,414 alleles (0.0024%); highest among the groups gnomAD compares: South Asian, 0.027%; no homozygotes.

Submissions (9):

Labcorp Genetics (formerly Invitae), Labcorp
Classification: Likely benign for Charcot-Marie-Tooth disease axonal type 2C. Last evaluated: 2025-06-25. Review status: criteria provided, single submitter. Criteria: Invitae Variant Classification Sherloc (09022015). Collection method: clinical testing. Allele origin: germline.

CeGaT Center for Human Genetics Tuebingen
Classification: Likely benign. Last evaluated: 2022-03-01. Review status: criteria provided, single submitter. Criteria: CeGaT Center For Human Genetics Tuebingen Variant Classification Criteria Version 2. Collection method: clinical testing. Allele origin: germline. Affected: yes. Observed: 1 variant allele.
Comment: TRPV4: BP4, BP7

Ambry Genetics
Classification: Likely benign for Inborn genetic diseases. Last evaluated: 2019-07-11. Review status: criteria provided, single submitter. Criteria: Ambry Variant Classification Scheme 2023. Collection method: clinical testing. Allele origin: germline.

Illumina Laboratory Services, Illumina
Classification: Benign for Neuronopathy, distal hereditary motor, autosomal dominant 8. Last evaluated: 2018-01-13. Review status: criteria provided, single submitter. Criteria: ICSL Variant Classification Criteria 13 December 2019. Collection method: clinical testing. Allele origin: germline.
Comment: This variant was observed in the ICSL laboratory as part of a predisposition screen in an ostensibly healthy population. It had not been previously curated by ICSL or reported in the Human Gene Mutation Database (HGMD: prior to June 1st, 2018), and was therefore a candidate for classification through an automated scoring system. Utilizing variant allele frequency, disease prevalence and penetrance estimates, and inheritance mode, an automated score was calculated to assess if this variant is too frequent to cause the disease. Based on the score and internal cut-off values, a variant classified as benign is not then subjected to further curation. The score for this variant resulted in a classification of benign for this disease.

Illumina Laboratory Services, Illumina
Classification: Benign for Brachyrachia (short spine dysplasia). Last evaluated: 2018-01-13. Review status: criteria provided, single submitter. Criteria: ICSL Variant Classification Criteria 13 December 2019. Collection method: clinical testing. Allele origin: germline.
Comment: the same text as in the submission from Illumina Laboratory Services, Illumina above.

Illumina Laboratory Services, Illumina
Classification: Benign for Spondylometaphyseal dysplasia, Kozlowski type. Last evaluated: 2018-01-13. Review status: criteria provided, single submitter. Criteria: ICSL Variant Classification Criteria 13 December 2019. Collection method: clinical testing. Allele origin: germline.
Comment: the same text as in the submission from Illumina Laboratory Services, Illumina above.

Illumina Laboratory Services, Illumina
Classification: Benign for Metatropic dysplasia. Last evaluated: 2018-01-13. Review status: criteria provided, single submitter. Criteria: ICSL Variant Classification Criteria 13 December 2019. Collection method: clinical testing. Allele origin: germline.
Comment: the same text as in the submission from Illumina Laboratory Services, Illumina above.

Illumina Laboratory Services, Illumina
Classification: Likely benign for Charcot-Marie-Tooth disease axonal type 2C. Last evaluated: 2018-01-13. Review status: criteria provided, single submitter. Criteria: ICSL Variant Classification Criteria 13 December 2019. Collection method: clinical testing. Allele origin: germline.
Comment: This variant was observed in the ICSL laboratory as part of a predisposition screen in an ostensibly healthy population. It had not been previously curated by ICSL or reported in the Human Gene Mutation Database (HGMD: prior to June 1st, 2018), and was therefore a candidate for classification through an automated scoring system. Utilizing variant allele frequency, disease prevalence and penetrance estimates, and inheritance mode, an automated score was calculated to assess if this variant is too frequent to cause the disease. Based on the score and internal cut-off values, a variant classified as likely benign is not then subjected to further curation. The score for this variant resulted in a classification of likely benign for this disease.

Illumina Laboratory Services, Illumina
Classification: Benign for Scapuloperoneal spinal muscular atrophy. Last evaluated: 2018-01-13. Review status: criteria provided, single submitter. Criteria: ICSL Variant Classification Criteria 13 December 2019. Collection method: clinical testing. Allele origin: germline.
Comment: the same text as in the submission from Illumina Laboratory Services, Illumina above.